The following is an entry in ClinVar:

NM_001378454.1(ALMS1):c.5921C>G (p.Ala1974Gly)

Gene: ALMS1 (ALMS1 centrosome and basal body associated protein; plus strand). Cytogenetic location: 2p13.1.
Variant type: single nucleotide variant.
Coding change: c.5921C>G on transcript NM_001378454.1 (MANE Select); coding-DNA position 5921, C replaced by G.
Protein change: p.Ala1974Gly; replaces alanine 1974 with glycine.
Molecular consequence: missense variant.
Genome position (GRCh38, 1-based): chr2:73,452,448, C>G. VCF-style: chr2-73452448-C-G. GRCh37 (hg19) VCF-style: chr2-73679575-C-G.
Other names: c.5924C>G, p.Ala1975Gly (NM_015120.4); short protein forms A1974G, A1975G.
Identifiers: ClinVar variation 1370986 (VCV001370986.4), dbSNP rs563067980, ClinGen allele CA1713961.

ClinVar aggregate classification (germline): Conflicting classifications of pathogenicity. Review status: criteria provided, conflicting classifications (1 of 4 stars). 2 submissions from 2 submitters: Uncertain significance (1); Likely benign (1). Last evaluated 2026-04-28.

Conditions:
Cardiovascular phenotype. Identifiers: MedGen CN230736.
Alstrom syndrome (ALMS). Identifiers: Orphanet 64, MedGen C0268425, MONDO:0008763, OMIM 203800.

Allele frequency attached by ClinVar (database versions not stated): ExAC 0.00001; gnomAD 0.00001; 1000 Genomes Project 30x 0.00016; gnomAD exomes 0.00001 and below 0.00001; 1000 Genomes Project 0.00020.
gnomAD v4.1: 2 of 1,614,024 alleles (0.00012%); highest among the groups gnomAD compares: Admixed American, 0.0033%; no homozygotes.

Submissions (2):

Ambry Genetics
Classification: Likely benign for Cardiovascular phenotype. Last evaluated: 2026-04-28. Review status: criteria provided, single submitter. Criteria: Ambry Variant Classification Scheme 2023. Collection method: clinical testing. Allele origin: germline.

Labcorp Genetics (formerly Invitae), Labcorp
Classification: Uncertain significance for Alstrom syndrome. Last evaluated: 2022-08-15. Review status: criteria provided, single submitter. Criteria: Invitae Variant Classification Sherloc (09022015). Collection method: clinical testing. Allele origin: germline.
Comment: This sequence change replaces alanine, which is neutral and non-polar, with glycine, which is neutral and non-polar, at codon 1975 of the ALMS1 protein (p.Ala1975Gly). This variant is present in population databases (rs563067980, gnomAD 0.006%). This variant has not been reported in the literature in individuals affected with ALMS1-related conditions. ClinVar contains an entry for this variant (Variation ID: 1370986). Experimental studies and prediction algorithms are not available or were not evaluated, and the functional significance of this variant is currently unknown. In summary, the available evidence is currently insufficient to determine the role of this variant in disease. Therefore, it has been classified as a Variant of Uncertain Significance.